The following is an entry in ClinVar:

NM_003590.5(CUL3):c.1319T>G (p.Leu440Arg)

Gene: CUL3 (cullin 3; minus strand). Cytogenetic location: 2q36.2.
Variant type: single nucleotide variant.
Coding change: c.1319T>G on transcript NM_003590.5 (MANE Select); coding-DNA position 1319, T replaced by G.
Protein change: p.Leu440Arg; replaces leucine 440 with arginine.
Molecular consequence: missense variant.
Genome position (GRCh38, 1-based): chr2:224,503,710, A>C on the plus strand (T>G on the coding strand, the complement: CUL3 is on the minus strand). VCF-style: chr2-224503710-A-C. GRCh37 (hg19) VCF-style: chr2-225368427-A-C.
Other names: c.1121T>G, p.Leu374Arg (NM_001257197.2); c.1337T>G, p.Leu446Arg (NM_001257198.2); short protein forms L374R, L440R, L446R.
Identifiers: ClinVar variation 4890733 (VCV004890733.1).

ClinVar aggregate classification (germline): Uncertain significance (1 of 4 stars; one submission).

Conditions:
Neurodevelopmental disorder with or without autism or seizures (NEDAUS). Identifiers: MedGen C5543225, MONDO:0030994, OMIM 619239.

Submission:

Institute of Human Genetics, University of Leipzig Medical Center
Classification: Uncertain significance for Neurodevelopmental disorder with or without autism or seizures. Last evaluated: 2026-08-12. Review status: criteria provided, single submitter. Criteria: ACMG Guidelines, 2015. Collection method: clinical testing. Allele origin: unknown. Inheritance: Autosomal dominant inheritance. Affected: yes.
Comment: Criteria applied: PM2,PP2,PP3